The following is an entry in ClinVar:

NM_173689.7(CRB2):c.2758G>A (p.Val920Met)

Gene: CRB2 (crumbs cell polarity complex component 2; plus strand). Cytogenetic location: 9q33.3.
Variant type: single nucleotide variant.
Coding change: c.2758G>A on transcript NM_173689.7 (MANE Select); coding-DNA position 2758, G replaced by A.
Protein change: p.Val920Met; replaces valine 920 with methionine.
Molecular consequence: missense variant. On other transcripts: non-coding transcript variant (1).
Genome position (GRCh38, 1-based): chr9:123,373,289, G>A. VCF-style: chr9-123373289-G-A. GRCh37 (hg19) VCF-style: chr9-126135568-G-A.
Other names: c.2758G>A (NM_173689.6); short protein forms V920M.
Identifiers: ClinVar variation 2509677 (VCV002509677.6), dbSNP rs919298912, ClinGen allele CA199638728.

ClinVar aggregate classification (germline): Uncertain significance. Review status: criteria provided, multiple submitters, no conflicts (2 of 4 stars). 3 submissions from 3 submitters: Uncertain significance (2). 1 of the submissions does not count toward it. Last evaluated 2025-07-31.

Conditions:
CRB2-related disorder. Also called: CRB2-related condition; CRB2-related disorders.
Inborn genetic diseases. Identifiers: MedGen C0950123, MeSH D030342.

Allele frequency attached by ClinVar (database versions not stated): gnomAD 0.00002.
gnomAD v4.1: 137 of 1,479,192 alleles (0.0093%); highest among the groups gnomAD compares: Middle Eastern, 0.023%; no homozygotes.

Submissions (3):

Ambry Genetics
Classification: Uncertain significance for Inborn genetic diseases. Last evaluated: 2025-07-31. Review status: criteria provided, single submitter. Criteria: Ambry Variant Classification Scheme 2023. Collection method: clinical testing. Allele origin: germline.

GeneDx
Classification: Uncertain significance. Last evaluated: 2024-11-05. Review status: criteria provided, single submitter. Criteria: GeneDx Variant Classification Process June 2021. Collection method: clinical testing. Allele origin: germline. Affected: yes.
Comment: In silico analysis indicates that this missense variant does not alter protein structure/function; Has not been previously published as pathogenic or benign to our knowledge

PreventionGenetics, part of Exact Sciences
Classification: Uncertain significance for CRB2-related condition. Last evaluated: 2024-01-26. Review status: no assertion criteria provided. Collection method: clinical testing. Allele origin: germline. Not counted in ClinVar's aggregate classification.
Comment: The CRB2 c.2758G>A variant is predicted to result in the amino acid substitution p.Val920Met. To our knowledge, this variant has not been reported in the literature. This variant is reported in 0.0066% of alleles in individuals of European (Non-Finnish) descent in gnomAD. At this time, the clinical significance of this variant is uncertain due to the absence of conclusive functional and genetic evidence.